The following is an entry in ClinVar:

NM_000124.4(ERCC6):c.2038A>G (p.Asn680Asp)

Gene: ERCC6 (ERCC excision repair 6, chromatin remodeling factor; minus strand). Cytogenetic location: 10q11.23.
Variant type: single nucleotide variant.
Coding change: c.2038A>G on transcript NM_000124.4 (MANE Select); coding-DNA position 2038, A replaced by G.
Protein change: p.Asn680Asp; replaces asparagine 680 with aspartic acid.
Molecular consequence: missense variant.
Genome position (GRCh38, 1-based): chr10:49,482,818, T>C on the plus strand (A>G on the coding strand, the complement: ERCC6 is on the minus strand). VCF-style: chr10-49482818-T-C. GRCh37 (hg19) VCF-style: chr10-50690864-T-C.
Other names: c.2038A>G, p.Asn680Asp (NM_001346440.2); short protein forms N680D.
Identifiers: ClinVar variation 550065 (VCV000550065.3), dbSNP rs1554788393, ClinGen allele CA376724405.

ClinVar aggregate classification (germline): Uncertain significance. Review status: criteria provided, single submitter (1 of 4 stars). 2 submissions from 2 submitters: Uncertain significance (1). 1 of the submissions does not count toward it. Last evaluated 2024-05-13.

Conditions:
DE SANCTIS-CACCHIONE SYNDROME. Identifiers: MedGen C0265201, MONDO:0010217, OMIM 278800.
Cerebrooculofacioskeletal syndrome 1 (COFS1). Also called: Cerebro-oculo-facio-skeletal syndrome 1. Identifiers: MedGen C0220722, MONDO:0008955, OMIM 214150.
Cockayne syndrome type 2 (CSB). Also called: COCKAYNE SYNDROME B; Cockayne Syndrome, Type II. Identifiers: Orphanet 191, Orphanet 90322, MedGen C0751038, MONDO:0019570, OMIM 133540.

Allele frequency attached by ClinVar (database versions not stated): gnomAD exomes below 0.00001.
gnomAD v4.1: 2 of 1,614,080 alleles (0.00012%); highest among the groups gnomAD compares: Middle Eastern, 0.016%; no homozygotes.

Submissions (2):

Women's Health and Genetics/Laboratory Corporation of America, LabCorp
Classification: Uncertain significance. Last evaluated: 2024-05-13. Review status: criteria provided, single submitter. Criteria: LabCorp Variant Classification Summary - May 2015. Collection method: clinical testing. Allele origin: germline.
Comment: Variant summary: ERCC6 c.2038A>G (p.Asn680Asp) results in a conservative amino acid change located in the Helicase superfamily 1/2, ATP-binding domain (IPR014001) of the encoded protein sequence. Four of five in-silico tools predict a damaging effect of the variant on protein function. The variant was absent in 251396 control chromosomes. c.2038A>G has been reported in the literature in individuals affected with Cockayne Syndrome (Laugel_2010, Calmels_2018). These data indicate that the variant may be associated with disease. At least one publication reports experimental evidence evaluating an impact on protein function. The DNA translocase activity of the orthologous variant in yeast was approximately 10%-<30% of the normal protein, measured by an in vitro yeast chromatin remodeling assay (Yan_2021). The following publications have been ascertained in the context of this evaluation (PMID: 29572252, 19894250, 34853308). ClinVar contains an entry for this variant (Variation ID: 550065). Based on the evidence outlined above, the variant was classified as VUS-possibly pathogenic.

Counsyl
Classification: Uncertain significance for Cockayne syndrome type 2; Cerebrooculofacioskeletal syndrome 1; DE SANCTIS-CACCHIONE SYNDROME. Last evaluated: 2018-03-27. Review status: no assertion criteria provided. Collection method: clinical testing. Allele origin: unknown. Not counted in ClinVar's aggregate classification.

Literature cited by the submitters: PubMed 29572252 (cited by Women's Health and Genetics/Laboratory Corporation of America, LabCorp); PubMed 19894250 (cited by Women's Health and Genetics/Laboratory Corporation of America, LabCorp and Counsyl); PubMed 34853308 (cited by Women's Health and Genetics/Laboratory Corporation of America, LabCorp).